The following is an entry in ClinVar:

ClinVar aggregate classification (germline): Likely pathogenic (0 of 4 stars; one submission).

Conditions:
Spondylometaphyseal dysplasia. Identifiers: Orphanet 254, MedGen C4759767, MONDO:0016763, HP:0002657.

Submission:

CHU Sainte-Justine Research Center, University of Montreal
Classification: Likely pathogenic for Spondylometaphyseal dysplasia. Last evaluated: 2018-05-09. Review status: no assertion criteria provided. Collection method: research. Allele origin: germline. Affected: yes.
Comment: 6 Individuals with novel FN1 mutations and spondylometaphyseal dysplasia

NM_212482.4(FN1):c.368G>A (p.Cys123Tyr)

Gene: FN1 (fibronectin 1; minus strand). Cytogenetic location: 2q35.
Variant type: single nucleotide variant.
Coding change: c.368G>A on transcript NM_212482.4 (MANE Select); coding-DNA position 368, G replaced by A.
Protein change: p.Cys123Tyr; replaces cysteine 123 with tyrosine.
Molecular consequence: missense variant.
Genome position (GRCh38, 1-based): chr2:215,433,371, C>T on the plus strand (G>A on the coding strand, the complement: FN1 is on the minus strand). VCF-style: chr2-215433371-C-T. GRCh37 (hg19) VCF-style: chr2-216298094-C-T.
Other names: c.368G>A, p.Cys123Tyr (NM_001306131.2, NM_001306132.2, NM_001365517.2 and 14 more transcripts); short protein forms C123Y.
Identifiers: ClinVar variation 549708 (VCV000549708.2), dbSNP rs1559616744, ClinGen allele CA350478677.